The following is an entry in ClinVar:

NM_000136.3(FANCC):c.1333C>G (p.Gln445Glu)

Genes: AOPEP (aminopeptidase O (putative); plus strand), FANCC (FA complementation group C; minus strand). Cytogenetic location: 9q22.32.
Variant type: single nucleotide variant.
Coding change: c.1333C>G on transcript NM_000136.3 (MANE Select); coding-DNA position 1333, C replaced by G.
Protein change: p.Gln445Glu; replaces glutamine 445 with glutamic acid.
Molecular consequence: missense variant.
Genome position (GRCh38, 1-based): chr9:95,107,266, G>C on the plus strand (C>G on the coding strand, the complement: FANCC is on the minus strand). VCF-style: chr9-95107266-G-C. GRCh37 (hg19) VCF-style: chr9-97869548-G-C.
Other names: c.1333C>G, p.Gln445Glu (NM_001243743.2); short protein forms Q445E.
Identifiers: ClinVar variation 2580699 (VCV002580699.3), dbSNP rs1057516298, ClinGen allele CA374106290.

ClinVar aggregate classification (germline): Conflicting classifications of pathogenicity. Review status: criteria provided, conflicting classifications (1 of 4 stars). 2 submissions from 2 submitters: Uncertain significance (1); Likely benign (1). Last evaluated 2025-10-30.

Conditions:
Hereditary cancer-predisposing syndrome. Also called: Hereditary neoplastic syndrome; Neoplastic Syndromes, Hereditary; Tumor predisposition; Hereditary Cancer Syndrome. Identifiers: Orphanet 140162, MedGen C0027672, MeSH D009386, MONDO:0015356.

Submissions (2):

Ambry Genetics
Classification: Likely benign for Hereditary cancer-predisposing syndrome. Last evaluated: 2025-10-30. Review status: criteria provided, single submitter. Criteria: Ambry Variant Classification Scheme 2023. Collection method: clinical testing. Allele origin: germline.

GeneDx
Classification: Uncertain significance. Last evaluated: 2024-04-05. Review status: criteria provided, single submitter. Criteria: GeneDx Variant Classification Process June 2021. Collection method: clinical testing. Allele origin: germline.
Comment: Not observed at significant frequency in large population cohorts (gnomAD); In silico analysis supports that this missense variant does not alter protein structure/function; Has not been previously published as pathogenic or benign to our knowledge